The following is an entry in ClinVar:

ClinVar aggregate classification (germline): Uncertain significance. Review status: criteria provided, multiple submitters, no conflicts (2 of 4 stars). 2 submissions from 2 submitters: Uncertain significance (2). Last evaluated 2025-06-19.

Conditions:
Hereditary breast ovarian cancer syndrome. Also called: Hereditary breast and ovarian cancer syndrome (HBOC); Hereditary breast and ovarian cancer; Hereditary breast and/or ovarian cancer syndrome; Hereditary breast and ovarian cancer syndrome; Breast and ovarian cancer; BRCA1- and BRCA2-Associated Hereditary Breast and Ovarian Cancer. Identifiers: Orphanet 145, MedGen C0677776, MeSH D061325, MONDO:0003582. Disease mechanism: loss of function.
Hereditary cancer-predisposing syndrome. Also called: Neoplastic Syndromes, Hereditary; Tumor predisposition; Hereditary neoplastic syndrome; Hereditary Cancer Syndrome. Identifiers: Orphanet 140162, MedGen C0027672, MeSH D009386, MONDO:0015356.

Allele frequency attached by ClinVar (database versions not stated): TOPMed below 0.00001; gnomAD 0.00001.
gnomAD v4.1: 1 of 1,614,050 alleles (0.000062%); highest among the groups gnomAD compares: Non-Finnish European, 0.000085%; no homozygotes.

Submissions (2):

Labcorp Genetics (formerly Invitae), Labcorp
Classification: Uncertain significance for Hereditary breast ovarian cancer syndrome. Last evaluated: 2025-06-19. Review status: criteria provided, single submitter. Criteria: Invitae Variant Classification Sherloc (09022015). Collection method: clinical testing. Allele origin: germline.
Comment: This sequence change replaces tyrosine, which is neutral and polar, with asparagine, which is neutral and polar, at codon 1625 of the BRCA1 protein (p.Tyr1625Asn). This variant is not present in population databases (gnomAD no frequency). This missense change has been observed in individual(s) with renal cell carcinoma (PMID: 38127826). ClinVar contains an entry for this variant (Variation ID: 838907). Invitae Evidence Modeling of protein sequence and biophysical properties (such as structural, functional, and spatial information, amino acid conservation, physicochemical variation, residue mobility, and thermodynamic stability) indicates that this missense variant is not expected to disrupt BRCA1 protein function with a negative predictive value of 95%. In summary, the available evidence is currently insufficient to determine the role of this variant in disease. Therefore, it has been classified as a Variant of Uncertain Significance.

Ambry Genetics
Classification: Uncertain significance for Hereditary cancer-predisposing syndrome. Last evaluated: 2021-06-23. Review status: criteria provided, single submitter. Criteria: Ambry Variant Classification Scheme 2023. Collection method: clinical testing. Allele origin: germline.
Comment: The p.Y1625N variant (also known as c.4873T>A), located in coding exon 14 of the BRCA1 gene, results from a T to A substitution at nucleotide position 4873. The tyrosine at codon 1625 is replaced by asparagine, an amino acid with dissimilar properties. This amino acid position is not well conserved in available vertebrate species. In addition, the in silico prediction for this alteration is inconclusive. Since supporting evidence is limited at this time, the clinical significance of this alteration remains unclear.

Literature cited by the submitters: PubMed 38127826 (cited by Labcorp Genetics (formerly Invitae), Labcorp).

NM_007294.4(BRCA1):c.4873T>A (p.Tyr1625Asn)

Gene: BRCA1 (BRCA1 DNA repair associated; minus strand). Cytogenetic location: 17q21.31.
Variant type: single nucleotide variant.
Coding change: c.4873T>A on transcript NM_007294.4 (MANE Select); coding-DNA position 4873, T replaced by A.
Protein change: p.Tyr1625Asn; replaces tyrosine 1625 with asparagine.
Molecular consequence: missense variant. On other transcripts: non-coding transcript variant (1).
Genome position (GRCh38, 1-based): chr17:43,071,041, A>T on the plus strand (T>A on the coding strand, the complement: BRCA1 is on the minus strand). VCF-style: chr17-43071041-A-T. GRCh37 (hg19) VCF-style: chr17-41223058-A-T.
Other names: c.4744T>A, p.Tyr1582Asn (NM_001407685.1, NM_001407686.1, NM_001407687.1 and 6 more transcripts); c.4741T>A, p.Tyr1581Asn (NM_001407690.1, NM_001407691.1); c.4732T>A, p.Tyr1578Asn (NM_001407692.1, NM_001407694.1, NM_001407695.1 and 13 more transcripts); c.4747T>A, p.Tyr1583Asn (NM_001407672.1, NM_001407673.1, NM_001407670.1 and 11 more transcripts); c.4750T>A, p.Tyr1584Asn (NM_001407669.1, NM_001407664.1, NM_001407665.1 and 6 more transcripts); c.4873T>A, p.Tyr1625Asn (NM_001407684.1, NM_001407593.1, NM_001407594.1 and 8 more transcripts); c.4729T>A, p.Tyr1577Asn (NM_001407739.1, NM_001407740.1, NM_001407741.1 and 21 more transcripts); c.4660T>A, p.Tyr1554Asn (NM_001407571.1, NM_001407894.1, NM_001407895.1 and 12 more transcripts); and 70 more; short protein forms Y1578N, Y1625N, Y1646N, Y521N, Y1456N, Y1537N, Y1555N, Y1558N.
Identifiers: ClinVar variation 838907 (VCV000838907.11), dbSNP rs2052392087, ClinGen allele CA10591783.